The following is an entry in ClinVar:

ClinVar aggregate classification (germline): Uncertain significance. Review status: criteria provided, multiple submitters, no conflicts (2 of 4 stars). 2 submissions from 2 submitters: Uncertain significance (2). Last evaluated 2025-07-16.

Conditions:
Catecholaminergic polymorphic ventricular tachycardia 1. Also called: VENTRICULAR TACHYCARDIA, CATECHOLAMINERGIC POLYMORPHIC, 1, WITH OR WITHOUT ATRIAL DYSFUNCTION AND/OR DILATED CARDIOMYOPATHY; VENTRICULAR TACHYCARDIA, STRESS-INDUCED POLYMORPHIC 1; RYR2-Related Catecholaminergic Polymorphic Ventricular Tachycardia. Identifiers: Orphanet 3286, MedGen C1631597, MONDO:0011484, OMIM 604772.
Cardiovascular phenotype. Identifiers: MedGen CN230736.

Submissions (2):

Labcorp Genetics (formerly Invitae), Labcorp
Classification: Uncertain significance for Catecholaminergic polymorphic ventricular tachycardia 1. Last evaluated: 2025-07-16. Review status: criteria provided, single submitter. Criteria: Invitae Variant Classification Sherloc (09022015). Collection method: clinical testing. Allele origin: germline.
Comment: This variant, c.1131_1139del, results in the deletion of 3 amino acid(s) of the CASQ2 protein (p.Glu377_Asp379del), but otherwise preserves the integrity of the reading frame. The frequency data for this variant in the population databases is considered unreliable, as metrics indicate poor data quality at this position in the gnomAD database. This variant has not been reported in the literature in individuals affected with CASQ2-related conditions. ClinVar contains an entry for this variant (Variation ID: 1728313). Experimental studies and prediction algorithms are not available or were not evaluated, and the functional significance of this variant is currently unknown. In summary, the available evidence is currently insufficient to determine the role of this variant in disease. Therefore, it has been classified as a Variant of Uncertain Significance.

Ambry Genetics
Classification: Uncertain significance for Cardiovascular phenotype. Last evaluated: 2022-05-25. Review status: criteria provided, single submitter. Criteria: Ambry Variant Classification Scheme 2023. Collection method: clinical testing. Allele origin: germline.
Comment: The c.1131_1139delAGATGATGA variant (also known as p.E377_D379del) is located in coding exon 11 of the CASQ2 gene. This variant results from an in-frame deletion at nucleotide positions 1131 to 1139. This results in an in-frame deletion of three amino acids at codons 377 to 379. This amino acid region is not well conserved in available vertebrate species. In addition, this alteration is predicted to be deleterious by in silico analysis (Choi Y et al. PLoS ONE. 2012; 7(10):e46688). Since supporting evidence is limited at this time, the clinical significance of this alteration remains unclear.

NM_001232.4(CASQ2):c.1131_1139del (p.Glu377_Asp379del)

Gene: CASQ2 (calsequestrin 2; minus strand). Cytogenetic location: 1p13.1.
Variant type: Deletion.
Coding change: c.1131_1139del on transcript NM_001232.4 (MANE Select); coding-DNA positions 1131 to 1139, 9 bases deleted (AGATGATGA; older notation c.1131_1139delAGATGATGA).
Protein change: p.Glu377_Asp379del.
Molecular consequence: inframe deletion. On other transcripts: inframe indel (1).
Genome position (GRCh38, 1-based): chr1:115,701,302-115,701,310, TCATCATCT deleted on the plus strand (AGATGATGA on the coding strand, the reverse complement: CASQ2 is on the minus strand); deleting any 9 consecutive bases within chr1:115,701,302-115,701,318 gives the same sequence; the c. name uses the placement nearest the transcript's 3' end. VCF-style (leftmost placement, unchanged base first): chr1-115701301-ATCATCATCT-A. GRCh37 (hg19) VCF-style: chr1-116243922-ATCATCATCT-A.
Other names: c.1131_1139delAGATGATGA (NM_001232.3).
Identifiers: ClinVar variation 1728313 (VCV001728313.3), dbSNP rs762324565, ClinGen allele CA1023609.
Genomic context (GRCh38, chr1:115,701,301, plus strand): 5'-CTATTCATCATCATCGTCATCACTGTCATCATTATCCTCTTCATCAGAATTATCATCATC[ATCATCATCT>A]TCATCATCATCTTCAGTGTTTATCTTTCCAGAAAGCACATCCTCAATCCAGTCCTCCAGC-3'